The following is an entry in ClinVar:

ClinVar aggregate classification (germline): Uncertain significance. Review status: criteria provided, multiple submitters, no conflicts (2 of 4 stars). 4 submissions from 4 submitters: Uncertain significance (4). Last evaluated 2026-01-07.

Conditions:
Inborn genetic diseases. Identifiers: MedGen C0950123, MeSH D030342.
Spinocerebellar ataxia type 38. Identifiers: Orphanet 423296, MedGen C4518337, MONDO:0014417, OMIM 615957.

Allele frequency attached by ClinVar (database versions not stated): TOPMed below 0.00001; gnomAD 0.00001; gnomAD exomes 0.00001.
gnomAD v4.1: 18 of 1,613,842 alleles (0.0011%); highest among the groups gnomAD compares: Admixed American, 0.0033%; no homozygotes.

Submissions (4):

Dasa
Classification: Uncertain significance for Spinocerebellar ataxia type 38. Last evaluated: 2026-01-07. Review status: criteria provided, single submitter. Criteria: DASA Assertion Criteria. Collection method: clinical testing. Allele origin: germline.
Comment: NM_021814.5(ELOVL5):c.332G>A (p.Arg111His) is a missense variant that results in the substitution of arginine with histidine. This variant is rare in population databases. Computational prediction algorithms are consistent with a benign effect. The currently available literature and clinical evidence are not sufficient to establish a definitive association between this variant and the reported condition. Therefore, this variant is classified as a variant of uncertain significance.

Ambry Genetics
Classification: Uncertain significance for Inborn genetic diseases. Last evaluated: 2024-07-14. Review status: criteria provided, single submitter. Criteria: Ambry Variant Classification Scheme 2023. Collection method: clinical testing. Allele origin: germline.

Labcorp Genetics (formerly Invitae), Labcorp
Classification: Uncertain significance. Last evaluated: 2023-03-20. Review status: criteria provided, single submitter. Criteria: Invitae Variant Classification Sherloc (09022015). Collection method: clinical testing. Allele origin: germline.
Comment: This variant has not been reported in the literature in individuals affected with ELOVL5-related conditions. In summary, the available evidence is currently insufficient to determine the role of this variant in disease. Therefore, it has been classified as a Variant of Uncertain Significance. Advanced modeling of protein sequence and biophysical properties (such as structural, functional, and spatial information, amino acid conservation, physicochemical variation, residue mobility, and thermodynamic stability) performed at Invitae indicates that this missense variant is not expected to disrupt ELOVL5 protein function. ClinVar contains an entry for this variant (Variation ID: 2441212). This variant is present in population databases (no rsID available, gnomAD 0.003%). This sequence change replaces arginine, which is basic and polar, with histidine, which is basic and polar, at codon 111 of the ELOVL5 protein (p.Arg111His).

Revvity Omics, Revvity
Classification: Uncertain significance for Spinocerebellar ataxia type 38. Last evaluated: 2022-02-10. Review status: criteria provided, single submitter. Criteria: ACMG Guidelines, 2015. Collection method: clinical testing. Allele origin: germline.

NM_021814.5(ELOVL5):c.332G>A (p.Arg111His)

Gene: ELOVL5 (ELOVL fatty acid elongase 5; minus strand). Cytogenetic location: 6p12.1.
Variant type: single nucleotide variant.
Coding change: c.332G>A on transcript NM_021814.5 (MANE Select); coding-DNA position 332, G replaced by A.
Protein change: p.Arg111His; replaces arginine 111 with histidine.
Molecular consequence: missense variant.
Genome position (GRCh38, 1-based): chr6:53,275,254, C>T on the plus strand (G>A on the coding strand, the complement: ELOVL5 is on the minus strand). VCF-style: chr6-53275254-C-T. GRCh37 (hg19) VCF-style: chr6-53140052-C-T.
Other names: c.413G>A, p.Arg138His (NM_001242828.2); c.332G>A, p.Arg111His (NM_001242830.2, NM_001301856.2); c.413G>A (NM_001242828.1); short protein forms R111H, R138H.
Identifiers: ClinVar variation 2441212 (VCV002441212.9), dbSNP rs1269834528, ClinGen allele CA364477996.
Genomic context (GRCh38, chr6:53,275,254, plus strand): 5'-ATGAAGAAGAAAGTGTCCATAAATTCTATGAGTTTGGAGAAGTAGTACCACCAGAGGACA[C>T]GGATAATCTAAGAGGAAAGGGTCAAAGATTTAAGGCTTATCCTCACGGCTTCTCTGGAAT-3'
Protein context (NP_068586.1, residues 101-121): TAGESDMKII[Arg111His]VLWWYYFSKL